The following is an entry in ClinVar:

ClinVar aggregate classification (germline): Uncertain significance. Review status: criteria provided, multiple submitters, no conflicts (2 of 4 stars). 4 submissions from 4 submitters: Uncertain significance (4). Last evaluated 2025-10-22.

Conditions:
Inborn genetic diseases. Identifiers: MedGen C0950123, MeSH D030342.

Allele frequency attached by ClinVar (database versions not stated): TOPMed 0.00022; ESP Exome Variant Server 0.00031; gnomAD exomes 0.00031 and 0.00021; ExAC 0.00052; gnomAD 0.00017 and 0.00019.
gnomAD v4.1: 334 of 1,609,620 alleles (0.021%); highest among the groups gnomAD compares: Non-Finnish European, 0.026%; no homozygotes.

Submissions (4):

Labcorp Genetics (formerly Invitae), Labcorp
Classification: Uncertain significance. Last evaluated: 2025-10-22. Review status: criteria provided, single submitter. Criteria: Invitae Variant Classification Sherloc (09022015). Collection method: clinical testing. Allele origin: germline.
Comment: This sequence change replaces leucine, which is neutral and non-polar, with proline, which is neutral and non-polar, at codon 1222 of the CRB2 protein (p.Leu1222Pro). This variant is present in population databases (rs138303512, gnomAD 0.06%). This variant has not been reported in the literature in individuals affected with CRB2-related conditions. ClinVar contains an entry for this variant (Variation ID: 1419615). Invitae Evidence Modeling of protein sequence and biophysical properties (such as structural, functional, and spatial information, amino acid conservation, physicochemical variation, residue mobility, and thermodynamic stability) indicates that this missense variant is not expected to disrupt CRB2 protein function with a negative predictive value of 80%. In summary, the available evidence is currently insufficient to determine the role of this variant in disease. Therefore, it has been classified as a Variant of Uncertain Significance.

Blueprint Genetics
Classification: Uncertain significance. Last evaluated: 2024-10-22. Review status: criteria provided, single submitter. Criteria: ACMG Guidelines, 2015. Collection method: clinical testing. Allele origin: germline.

GeneDx
Classification: Uncertain significance. Last evaluated: 2023-10-13. Review status: criteria provided, single submitter. Criteria: GeneDx Variant Classification Process June 2021. Collection method: clinical testing. Allele origin: germline. Affected: yes.
Comment: In silico analysis supports that this missense variant has a deleterious effect on protein structure/function; Has not been previously published as pathogenic or benign to our knowledge

Ambry Genetics
Classification: Uncertain significance for Inborn genetic diseases. Last evaluated: 2021-08-13. Review status: criteria provided, single submitter. Criteria: Ambry Variant Classification Scheme 2023. Collection method: clinical testing. Allele origin: germline.

NM_173689.7(CRB2):c.3665T>C (p.Leu1222Pro)

Gene: CRB2 (crumbs cell polarity complex component 2; plus strand). Cytogenetic location: 9q33.3.
Variant type: single nucleotide variant.
Coding change: c.3665T>C on transcript NM_173689.7 (MANE Select); coding-DNA position 3665, T replaced by C.
Protein change: p.Leu1222Pro; replaces leucine 1222 with proline.
Molecular consequence: missense variant. On other transcripts: non-coding transcript variant (1).
Genome position (GRCh38, 1-based): chr9:123,376,869, T>C. VCF-style: chr9-123376869-T-C. GRCh37 (hg19) VCF-style: chr9-126139148-T-C.
Other names: c.3665T>C (NM_173689.5, NM_173689.6); short protein forms L1222P.
Identifiers: ClinVar variation 1419615 (VCV001419615.6), dbSNP rs138303512, ClinGen allele CA5232583.